The following is an entry in ClinVar:

ClinVar aggregate classification (germline): Uncertain significance. Review status: criteria provided, multiple submitters, no conflicts (2 of 4 stars). 2 submissions from 2 submitters: Uncertain significance (2). Last evaluated 2025-12-21.

Conditions:
Idiopathic generalized epilepsy. Also called: Generalised epilepsy; EIG. Identifiers: MedGen C0270850, MONDO:0005579, OMIM 600669.

Allele frequency attached by ClinVar (database versions not stated): TOPMed 0.00003; ESP Exome Variant Server 0.00008.
gnomAD v4.1: 20 of 1,612,896 alleles (0.0012%); highest among the groups gnomAD compares: Admixed American, 0.0017%; no homozygotes.

Submissions (2):

Labcorp Genetics (formerly Invitae), Labcorp
Classification: Uncertain significance for Idiopathic generalized epilepsy. Last evaluated: 2025-12-21. Review status: criteria provided, single submitter. Criteria: Invitae Variant Classification Sherloc (09022015). Collection method: clinical testing. Allele origin: germline.
Comment: This sequence change replaces valine, which is neutral and non-polar, with phenylalanine, which is neutral and non-polar, at codon 375 of the RBFOX1 protein (p.Val375Phe). This variant is present in population databases (rs138704494, gnomAD 0.004%). This variant has not been reported in the literature in individuals affected with RBFOX1-related conditions. ClinVar contains an entry for this variant (Variation ID: 451270). An algorithm developed to predict the effect of missense changes on protein structure and function (PolyPhen-2) suggests that this variant is likely to be disruptive. In summary, the available evidence is currently insufficient to determine the role of this variant in disease. Therefore, it has been classified as a Variant of Uncertain Significance.

GeneDx
Classification: Uncertain significance. Last evaluated: 2018-03-27. Review status: criteria provided, single submitter. Criteria: GeneDx Variant Classification (06012015). Collection method: clinical testing. Allele origin: germline. Affected: yes.
Comment: The V375F variant in the RBFOX1 gene has not been reported previously as a pathogenic variant, nor as a benign variant, to our knowledge. The V375F variant is observed in 1/24012 (0.005%) alleles from individuals of African background and 6/276578 total alleles in the ExAC dataset (Lek et al., 2016). The V375F variant is a semi-conservative amino acid substitution, which may impact secondary protein structure as these residues differ in some properties. In-silico analyses, including protein predictors and evolutionary conservation, support a deleterious effect. We interpret V375F as a variant of uncertain significance.

NM_018723.4(RBFOX1):c.1060G>T (p.Val354Phe)

Genes: RBFOX1 (RNA binding fox-1 homolog 1; plus strand), LOC126862279 (MED14-independent group 3 enhancer GRCh37_chr16:7758954-7760153; plus strand). Cytogenetic location: 16p13.3.
Variant type: single nucleotide variant.
Coding change: c.1060G>T on transcript NM_018723.4 (MANE Select); coding-DNA position 1060, G replaced by T.
Protein change: p.Val354Phe; replaces valine 354 with phenylalanine.
Molecular consequence: missense variant. On other transcripts: synonymous variant (2).
Genome position (GRCh38, 1-based): chr16:7,709,120, G>T. VCF-style: chr16-7709120-G-T. GRCh37 (hg19) VCF-style: chr16-7759122-G-T.
Other names: c.979G>T, p.Val327Phe (NM_001142333.2); c.1060G>T, p.Val354Phe (NM_001142334.2); c.1189G>T, p.Val397Phe (NM_001308117.1); c.1113G>T, p.Ala371= (NM_001364800.2); c.1123G>T, p.Val375Phe (NM_145891.3, NM_145892.3); c.1176G>T, p.Ala392= (NM_145893.3); short protein forms V354F, V375F, V327F, V397F.
Identifiers: ClinVar variation 451270 (VCV000451270.12), dbSNP rs138704494, ClinGen allele CA7891968.